The following is an entry in ClinVar:

ClinVar aggregate classification (germline): Likely pathogenic (0 of 4 stars; one submission).

Conditions:
Ornithine aminotransferase deficiency (GACR). Also called: OAT DEFICIENCY; OKT DEFICIENCY; Ornithine ketoacid aminotransferase deficiency; Gyrate atrophy; Gyrate atrophy of choroid and retina; Girate atrophy of the retina. Identifiers: Orphanet 414, MedGen C0018425, MONDO:0009796, OMIM 258870.

Submission:

Juha Muilu Group; Institute for Molecular Medicine Finland (FIMM)
Classification: Likely pathogenic for Ornithine aminotransferase deficiency. Review status: no assertion criteria provided. Collection method: not provided. Allele origin: unknown.
Comment: FinDis database variant: This variant was not found or characterized by our laboratory, data were collected from public sources: see reference
ClinVar note: Converted during submission from probable-pathogenic to Likely pathogenic.

NM_000274.4(OAT):c.370GAG[1] (p.Glu125del)

Gene: OAT (ornithine aminotransferase; minus strand). Cytogenetic location: 10q26.13.
Variant type: Microsatellite.
Coding change: c.370GAG[1] on transcript NM_000274.4 (MANE Select); one copy of the 3-base unit GAG starting at c.370; the reference has two copies in a row; one copy, 3 bases deleted.
Protein change: p.Glu125del; deletes glutamic acid 125.
Molecular consequence: inframe deletion. On other transcripts: 5 prime UTR variant (2), intron variant (1).
Genome position (GRCh38, 1-based): chr10:124,408,790-124,408,792, CTC deleted on the plus strand (GAG on the coding strand, the reverse complement: OAT is on the minus strand); deleting any 3 consecutive bases within chr10:124,408,790-124,408,795 gives the same sequence; the position shown is the placement nearest the transcript's 3' end. VCF-style (leftmost placement, unchanged base first): chr10-124408789-ACTC-A. GRCh37 (hg19) VCF-style: chr10-126097358-ACTC-A.
Other names: c.-45GAG[1] (NM_001171814.2); c.370GAG[1], p.Glu125del (NM_001322965.2, NM_001322966.2, NM_001322967.2 and 3 more transcripts); c.-345GAG[1] (NM_001322974.2); c.199+3181_199+3183del (NM_001322971.2); c.373_375delGAG (NM_000274.3); short protein forms E125del.
Identifiers: ClinVar variation 56124 (VCV000056124.2), dbSNP rs386833606, ClinGen allele CA144153.